The following is an entry in ClinVar:

NM_000059.4(BRCA2):c.9117G>A (p.Pro3039=)

Gene: BRCA2 (BRCA2 DNA repair associated; plus strand). Cytogenetic location: 13q13.1.
Variant type: single nucleotide variant.
Coding change: c.9117G>A on transcript NM_000059.4 (MANE Select); coding-DNA position 9117, G replaced by A.
Protein change: p.Pro3039=; no amino-acid change (proline 3039 retained).
Molecular consequence: synonymous variant.
Genome position (GRCh38, 1-based): chr13:32,379,913, G>A. VCF-style: chr13-32379913-G-A. GRCh37 (hg19) VCF-style: chr13-32954050-G-A.
Other names: P3039P; p.P3039P:CCG>CCA; NM_000059.4(BRCA2):c.9117G>A; p.Pro3039=; 9345G>A.
Identifiers: ClinVar variation 38215 (VCV000038215.93), dbSNP rs28897756, ClinGen allele CA025994.

ClinVar aggregate classification (germline): Pathogenic. Review status: reviewed by expert panel (3 of 4 stars). 42 submissions from 40 submitters: Pathogenic (1). 41 of the submissions do not count toward it. Last evaluated 2024-06-11.

Conditions:
Glioma susceptibility 3 (GLM3). Also called: Glioblastoma 3. Identifiers: Orphanet 182067, Orphanet 360, MedGen C2751641, MONDO:0013093, OMIM 613029.
Prostate cancer. Also called: Malignant tumor of prostate. Identifiers: Orphanet 1331, MedGen C0376358, MONDO:0008315, HP:0012125.
Breast-ovarian cancer, familial, susceptibility to, 2 (BROVCA2). Also called: BRCA2 Hereditary Breast and Ovarian Cancer. Identifiers: Orphanet 145, MedGen C2675520, MONDO:0012933, OMIM 612555. Disease mechanism: loss of function.
Wilms tumor 1 (WT1). Also called: Wilms tumor, somatic. Identifiers: Orphanet 654, MedGen CN033288, MONDO:0008679, OMIM 194070.
Medulloblastoma (MDB). Also called: MEDULLOBLASTOMA PREDISPOSITION SYNDROME; Medulloblastoma, somatic. Identifiers: Orphanet 616, MedGen C0025149, MeSH D008527, MONDO:0007959, OMIM 155255, HP:0002885.
Fanconi anemia complementation group D1. Also called: BRCA2-Related Fanconi Anemia. Identifiers: Orphanet 319462, MedGen C1838457, MONDO:0011584, OMIM 605724.
Familial cancer of breast. Also called: Hereditary breast cancer; hereditary breast carcinoma; BREAST CANCER, FAMILIAL. Identifiers: Orphanet 227535, MedGen C0346153, MONDO:0016419, OMIM 114480. Disease mechanism: loss of function.
Esophageal atresia/tracheoesophageal fistula. Also called: TRACHEOESOPHAGEAL FISTULA WITH OR WITHOUT ESOPHAGEAL ATRESIA; Tracheoesophageal fistula. Identifiers: Orphanet 1199, MedGen C0040588, MeSH D014138, MONDO:0008586, OMIM 189960, HP:0002575.
Pancreatic cancer, susceptibility to, 2. Identifiers: Orphanet 1333, MedGen C3150546, MONDO:0013235, OMIM 613347.
Inherited breast cancer and ovarian cancer.
BRCA2-related cancer predisposition. Identifiers: MedGen CN377758, MONDO:0700269.
Hereditary breast ovarian cancer syndrome. Also called: Breast and ovarian cancer; Hereditary breast and/or ovarian cancer syndrome; Hereditary breast and ovarian cancer; Hereditary breast and ovarian cancer syndrome; BRCA1- and BRCA2-Associated Hereditary Breast and Ovarian Cancer; Hereditary breast and ovarian cancer syndrome (HBOC). Identifiers: Orphanet 145, MedGen C0677776, MeSH D061325, MONDO:0003582. Disease mechanism: loss of function.
Hereditary cancer-predisposing syndrome. Also called: Hereditary neoplastic syndrome; Hereditary Cancer Syndrome; Tumor predisposition; Neoplastic Syndromes, Hereditary. Identifiers: Orphanet 140162, MedGen C0027672, MeSH D009386, MONDO:0015356.
BRCA2-related disorder. Also called: BRCA2-related condition; BRCA2-related disorders. Identifiers: MedGen CN239275.
Gastric cancer. Also called: Stomach cancer; Malignant tumor of stomach. Identifiers: MedGen C0024623, MeSH D013274, MONDO:0001056, OMIM 613659, HP:0012126.
Breast-ovarian cancer, familial, susceptibility to, 1 (BROVCA1). Also called: BRCA1 Hereditary Breast and Ovarian Cancer; OVARIAN CANCER, SUSCEPTIBILITY TO. Identifiers: Orphanet 145, MedGen C2676676, MONDO:0011450, OMIM 604370. Disease mechanism: loss of function.
Breast carcinoma. Also called: Carcinoma of breast. Identifiers: MedGen C0678222, MONDO:0004989, HP:0003002.

Allele frequency attached by ClinVar (database versions not stated): gnomAD exomes below 0.00001; gnomAD 0.00001.
gnomAD v4.1: 6 of 1,613,038 alleles (0.00037%); highest among the groups gnomAD compares: Non-Finnish European, 0.00051%; no homozygotes.

Submissions 1 to 6 of 42:

ClinGen ENIGMA BRCA1 and BRCA2 Variant Curation Expert Panel, ClinGen
Classification: Pathogenic for BRCA2-related cancer predisposition. Last evaluated: 2024-06-11. Review status: reviewed by expert panel. Criteria: CSpec BRCA1/2ACMG Rules Specifications V1.0. Collection method: curation. Allele origin: germline. Inheritance: Autosomal dominant inheritance.
Comment: The c.9117G>A variant in BRCA2 is a synonymous variant (p.Pro3039=). This variant is present in gnomAD v2.1 (exomes only, non-cancer subset) or gnomAD v3.1 (non-cancer subset) but is below the ENIGMA BRCA1/2 VCEP threshold >0.00002 for BS1_Supporting (PM2_Supporting, BS1, and BA1 are not met). This variant is reported to result in aberrant mRNA splicing. RT-PCR and Mini-gene assays demonstrated that the variant impacts splicing by exon skipping (PMIDs: 17011978, 23451180, 22505045, 31843900, 32398771, 22632462). Appropriate code strength determined by comparison of results to PVS1 decision tree (PVS1 (RNA) met). Multifactorial likelihood ratio analysis using clinically calibrated data produced a combined LR for this variant of 3364.725 (based on Co-occurrence LR=2.231; Family History LR=1508.137), above the threshold for Very strong evidence towards pathogenicity (LR >350) (PP4_Very Strong met; PMID: 17924331, 31853058). In summary, this variant meets the criteria to be classified as a Pathogenic variant for BRCA2-related cancer predisposition based on the ACMG/AMP criteria applied as specified by the ENIGMA BRCA1/2 VCEP (PVS1 (RNA), PP4_VeryStrong).

Genomics and Molecular Medicine Service, East Genomic Laboratory Hub, NHS Genomic Medicine Service
Classification: Pathogenic for Inherited breast cancer and ovarian cancer. Last evaluated: 2026-07-28. Review status: criteria provided, single submitter. Criteria: ACGS Best Practice Guidelines for Variant Classification in Rare Disease 2020. Collection method: clinical testing. Allele origin: germline. Affected: yes. Not counted in ClinVar's aggregate classification.
Comment: PVS1,PS4,PM2_Supporting,PP4_Strong

Genetics Laboratory, Great Ormond Street Hospital NHS Foundation Trust, North Thames Genomic Laboratory Hub
Classification: Pathogenic for Inherited breast cancer and ovarian cancer. Last evaluated: 2026-05-07. Review status: criteria provided, single submitter. Criteria: CanVIG BRCA Gene Specific V1.22. Collection method: clinical testing. Allele origin: germline. Affected: yes. Not counted in ClinVar's aggregate classification.
Comment: PS4_moderate, PM2_supporting, PVS1_very-strong, PP4_strong

Dasa
Classification: Pathogenic for Breast-ovarian cancer, familial, susceptibility to, 2. Last evaluated: 2026-04-24. Review status: criteria provided, single submitter. Criteria: DASA Assertion Criteria. Collection method: clinical testing. Allele origin: germline. Not counted in ClinVar's aggregate classification.
Comment: NM_000059.4(BRCA2):c.9117G>A (p.Pro3039=) is a sequence variant. Functional evidence supports a deleterious effect on the gene or gene product. This variant has been reported in individuals with Breast-ovarian cancer, familial, susceptibility to, 2. The variant is present at low frequency in population datasets. Based on the available data, this variant is classified as pathogenic.

Labcorp Genetics (formerly Invitae), Labcorp
Classification: Pathogenic for Hereditary breast ovarian cancer syndrome. Last evaluated: 2026-02-01. Review status: criteria provided, single submitter. Criteria: Invitae Variant Classification Sherloc (09022015). Collection method: clinical testing. Allele origin: germline. Not counted in ClinVar's aggregate classification.
Comment: This sequence change affects codon 3039 of the BRCA2 mRNA. It is a 'silent' change, meaning that it does not change the encoded amino acid sequence of the BRCA2 protein. RNA analysis indicates that this variant induces altered splicing and may result in an absent or altered protein product. The frequency data for this variant in the population databases is considered unreliable, as metrics indicate poor data quality at this position in the gnomAD database. This variant has been observed in individual(s) with breast, ovarian, or prostate cancer (PMID: 10638982, 17011978, 17148771, 22923021, 23035815, 26026974). This variant is also known as 9345G>A. ClinVar contains an entry for this variant (Variation ID: 38215). Based on a multifactorial likelihood algorithm using genetic, in silico, and/or statistical data, this variant has been determined to have a high probability of being pathogenic (PMID: 17924331, 21990134). Variants that disrupt the consensus splice site are a relatively common cause of aberrant splicing (PMID: 17576681, 9536098). Studies have shown that this variant results in skipping of exon 23, and produces a non-functional protein and/or introduces a premature termination codon (PMID: 22505045, 22632462, 23035815, 23451180, 25382762; internal data). For these reasons, this variant has been classified as Pathogenic.

GeneKor MSA
Classification: Pathogenic for Hereditary breast ovarian cancer syndrome. Last evaluated: 2025-06-25. Review status: criteria provided, single submitter. Criteria: ACMG Guidelines, 2015. Collection method: clinical testing. Allele origin: germline. Affected: yes. Not counted in ClinVar's aggregate classification.
Comment: This variant is a single nucleotide substitution in exon 23 of the BRCA2 mRNA -c.(9117G>A). This nucleotide substitution does not change the codon 3039. However, this change occurs in the last base pair of exon 23 and has been shown to cause exon skipping that results in an absent or non-functional protein product (PMID: 22632462, 23451180, 22505045, 25382762, 23035815). This alteration is also known as 9345G>A. This nucleotide change has been reported in individuals with hereditary breast, ovarian and prostate cancer (PMID: 10638982, 17011978, 22923021, 17148771, 26026974, 23035815). The mutation database ClinVar contains an entry for this variant where it is listed as pathogenic (VCV000038215.86). Loss of function of the BRCA2 gene is an established disease mechanism in autosomal dominant hereditary breast and ovarian cancer syndrome (HBOC).